The following is an entry in ClinVar:

ClinVar aggregate classification (germline): Conflicting classifications of pathogenicity. Review status: criteria provided, conflicting classifications (1 of 4 stars). 17 submissions from 17 submitters: Uncertain significance (3); Benign (1); Likely benign (11). 2 of the submissions do not count toward it. Last evaluated 2026-03-15.

Conditions:
Mismatch repair cancer syndrome 4. Identifiers: MedGen C5436817, MONDO:0030843, OMIM 619101.
Hereditary nonpolyposis colorectal neoplasms. Identifiers: MedGen C0009405, MeSH D003123.
Hereditary cancer-predisposing syndrome. Also called: Tumor predisposition; Hereditary neoplastic syndrome; Hereditary Cancer Syndrome; Neoplastic Syndromes, Hereditary. Identifiers: Orphanet 140162, MedGen C0027672, MeSH D009386, MONDO:0015356.
Lynch syndrome 4 (LYNCH4). Also called: Hereditary non-polyposis colorectal cancer, type 4; Colorectal cancer, hereditary nonpolyposis, type 4. Identifiers: Orphanet 144, MedGen C1838333, MONDO:0013699, OMIM 614337. Disease mechanism: loss of function.

Allele frequency attached by ClinVar (database versions not stated): TOPMed 0.00022; 1000 Genomes Project 0.00040; 1000 Genomes Project 30x 0.00047.
gnomAD v4.1: 244 of 1,613,784 alleles (0.015%); highest among the groups gnomAD compares: East Asian, 0.1%; no homozygotes.

Submissions (17):

Dasa
Classification: Likely benign. Last evaluated: 2026-03-15. Review status: criteria provided, single submitter. Criteria: DASA Assertion Criteria. Collection method: clinical testing. Allele origin: germline.
Comment: NM_000535.7(PMS2):c.1688G>A (p.Arg563Gln) is a missense variant that results in the substitution of arginine with glutamine. Population frequency is inconsistent with a disease-causing role for this variant. Therefore, based on the currently available evidence, this variant is classified as likely benign.

Labcorp Genetics (formerly Invitae), Labcorp
Classification: Likely benign for Hereditary nonpolyposis colorectal neoplasms. Last evaluated: 2026-01-27. Review status: criteria provided, single submitter. Criteria: Invitae Variant Classification Sherloc (09022015). Collection method: clinical testing. Allele origin: germline.

Quest Diagnostics Nichols Institute San Juan Capistrano
Classification: Likely benign. Last evaluated: 2025-03-05. Review status: criteria provided, single submitter. Criteria: Quest Diagnostics criteria. Collection method: clinical testing. Allele origin: unknown.

Institute for Biomarker Research, Medical Diagnostic Laboratories, L.L.C.
Classification: Benign for Hereditary cancer-predisposing syndrome. Last evaluated: 2025-02-06. Review status: criteria provided, single submitter. Criteria: ACMG Guidelines, 2015. Collection method: clinical testing. Allele origin: germline.
Comment: The missense variant NM_001322014.2(PMS2):c.1688G>A (p.Arg563Gln) has not been reported previously as a pathogenic variant, to our knowledge. TThere is a small physicochemical difference between arginine and glutamine, which is not likely to impact secondary protein structure as these residues share similar properties. For these reasons, this variant has been classified as Benign.

Blueprint Genetics
Classification: Likely benign. Last evaluated: 2024-11-18. Review status: criteria provided, single submitter. Criteria: ACMG Guidelines, 2015. Collection method: clinical testing. Allele origin: germline.

CeGaT Center for Human Genetics Tuebingen
Classification: Likely benign. Last evaluated: 2024-10-01. Review status: criteria provided, single submitter. Criteria: CeGaT Center For Human Genetics Tuebingen Variant Classification Criteria Version 2. Collection method: clinical testing. Allele origin: germline. Affected: yes. Observed: 2 variant alleles.
Comment: PMS2: BP4, BS2

Molecular Pathology, Peter Maccallum Cancer Centre
Classification: Likely benign for Lynch syndrome 4. Last evaluated: 2024-09-03. Review status: criteria provided, single submitter. Criteria: ACMG Guidelines, 2015. Collection method: clinical testing. Allele origin: germline. Inheritance: Autosomal dominant inheritance.

Department of Pathology and Laboratory Medicine, Sinai Health System
Classification: Likely benign for Mismatch repair cancer syndrome 4. Last evaluated: 2024-07-16. Review status: criteria provided, single submitter. Criteria: ACMG Guidelines, 2015. Collection method: clinical testing. Allele origin: germline. Affected: yes.

GeneDx
Classification: Uncertain significance. Last evaluated: 2024-04-04. Review status: criteria provided, single submitter. Criteria: GeneDx Variant Classification Process June 2021. Collection method: clinical testing. Allele origin: germline. Affected: yes.
Comment: In silico analysis supports that this missense variant does not alter protein structure/function; This variant is associated with the following publications: (PMID: 17016615, 29596542, 28135048, 24362816, 30093976, 28717660, 32039725, 31666926, 29212164, 35449176)

Ambry Genetics
Classification: Likely benign for Hereditary cancer-predisposing syndrome. Last evaluated: 2023-12-08. Review status: criteria provided, single submitter. Criteria: Ambry Variant Classification Scheme 2023. Collection method: clinical testing. Allele origin: germline.

Myriad Genetics, Inc.
Classification: Uncertain significance for Lynch syndrome 4. Last evaluated: 2023-04-04. Review status: criteria provided, single submitter. Criteria: Myriad Autosomal Dominant, Autosomal Recessive and X-Linked Classification Criteria (2023). Collection method: clinical testing. Allele origin: unknown.
Comment: This variant is classified as a variant of uncertain significance as there is insufficient evidence to determine its impact on protein function and/or cancer risk.

Sema4
Classification: Likely benign for Hereditary cancer-predisposing syndrome. Last evaluated: 2021-06-29. Review status: criteria provided, single submitter. Criteria: Sema4 Curation Guidelines. Collection method: curation. Allele origin: germline.

Women's Health and Genetics/Laboratory Corporation of America, LabCorp
Classification: Likely benign. Last evaluated: 2019-12-03. Review status: criteria provided, single submitter. Criteria: LabCorp Variant Classification Summary - May 2015. Collection method: clinical testing. Allele origin: germline.
Comment: Variant summary: PMS2 c.1688G>A (p.Arg563Gln) results in a conservative amino acid change in the encoded protein sequence. Five of five in-silico tools predict a benign effect of the variant on protein function. The variant allele was found at a frequency of 0.00027 in 251182 control chromosomes, predominantly at a frequency of 0.0017 within the East Asian subpopulation in the gnomAD database. The observed variant frequency within East Asian control individuals in the gnomAD database is approximately 24 fold of the estimated maximal expected allele frequency for a pathogenic variant in PMS2 causing Hereditary Non-Polyposis Colon Cancer phenotype (7.1e-05), strongly suggesting that the variant is a benign polymorphism found primarily in populations of East Asian origin. c.1688G>A has been reported in the literature in individuals affected with breast cancer (Balogh_2006, Liu_2017). These reports do not provide unequivocal conclusions about association of the variant with Hereditary Non-Polyposis Colon Cancer. To our knowledge, no experimental evidence demonstrating an impact on protein function has been reported. Five ClinVar submitters (evaluation after 2014) cite the variant as uncertain significance (3x) and likely benign (2x). Based on the evidence outlined above, the variant was classified as likely benign.

Illumina Laboratory Services, Illumina
Classification: Uncertain significance for Lynch syndrome 4. Last evaluated: 2017-04-27. Review status: criteria provided, single submitter. Criteria: ICSL Variant Classification Criteria 13 December 2019. Collection method: clinical testing. Allele origin: germline.

Color Diagnostics, LLC DBA Color Health
Classification: Likely benign for Hereditary cancer-predisposing syndrome. Last evaluated: 2016-05-31. Review status: criteria provided, single submitter. Criteria: ACMG Guidelines, 2015. Collection method: clinical testing. Allele origin: germline.

Genetic Services Laboratory, University of Chicago
Classification: Uncertain significance. Last evaluated: 2022-08-09. Review status: no assertion criteria provided. Collection method: clinical testing. Allele origin: germline. Affected: no. Not counted in ClinVar's aggregate classification.
Comment: DNA sequence analysis of the PMS2 gene demonstrated a sequence change, c.2506G>C, in exon 15 that results in an amino acid change, p.Glu836Gln. This sequence change does not appear to have been previously described in individuals with PMS2-related disorders and has also not been described in population databases such as ExAC and gnomAD. The p.Glu836Gln change affects a moderately conserved amino acid residue located in a domain of the PMS2 protein that is not known to be functional. In-silico pathogenicity prediction tools (SIFT, PolyPhen2, Align GVGD, REVEL) provide contradictory results for the p.Glu836Gln substitution. Due to insufficient evidences and the lack of functional studies, the clinical significance of the p.Glu836Gln change remains unknown at this time.

Counsyl
Classification: Uncertain significance for Lynch syndrome 4. Last evaluated: 2017-07-06. Review status: no assertion criteria provided. Collection method: clinical testing. Allele origin: unknown. Not counted in ClinVar's aggregate classification.

Literature cited by the submitters: PubMed 28135048 (cited by 5 submitters); PubMed 29212164 (cited by Quest Diagnostics Nichols Institute San Juan Capistrano and Ambry Genetics); PubMed 31666926 (cited by Quest Diagnostics Nichols Institute San Juan Capistrano and Ambry Genetics); PubMed 17016615 (cited by 4 submitters).

NM_000535.7(PMS2):c.1688G>A (p.Arg563Gln)

Gene: PMS2 (PMS1 homolog 2, mismatch repair system component; minus strand). Cytogenetic location: 7p22.1.
Variant type: single nucleotide variant.
Coding change: c.1688G>A on transcript NM_000535.7 (MANE Select); coding-DNA position 1688, G replaced by A.
Protein change: p.Arg563Gln; replaces arginine 563 with glutamine.
Molecular consequence: missense variant. On other transcripts: non-coding transcript variant (1).
Genome position (GRCh38, 1-based): chr7:5,987,077, C>T on the plus strand (G>A on the coding strand, the complement: PMS2 is on the minus strand). VCF-style: chr7-5987077-C-T. GRCh37 (hg19) VCF-style: chr7-6026708-C-T.
Other names: c.1283G>A, p.Arg428Gln (NM_001322003.2, NM_001322004.2, NM_001322005.2 and 1 more transcripts); c.1532G>A, p.Arg511Gln (NM_001322006.2); c.1370G>A, p.Arg457Gln (NM_001322007.2, NM_001322008.2); c.1127G>A, p.Arg376Gln (NM_001322010.2); c.755G>A, p.Arg252Gln (NM_001322011.2, NM_001322012.2); c.1115G>A, p.Arg372Gln (NM_001322013.2); c.1688G>A, p.Arg563Gln (NM_001322014.2); c.1379G>A, p.Arg460Gln (NM_001322015.2); short protein forms R563Q, R511Q, R457Q, R372Q, R376Q, R428Q, R460Q, R252Q.
Identifiers: ClinVar variation 141394 (VCV000141394.63), dbSNP rs63750668, ClinGen allele CA010059.